The following is an entry in ClinVar:

NM_000288.4(PEX7):c.258T>C (p.Cys86=)

Gene: PEX7 (peroxisomal biogenesis factor 7; plus strand). Cytogenetic location: 6q23.3.
Variant type: single nucleotide variant.
Coding change: c.258T>C on transcript NM_000288.4 (MANE Select); coding-DNA position 258, T replaced by C.
Protein change: p.Cys86=; no amino-acid change (cysteine 86 retained).
Molecular consequence: synonymous variant.
Genome position (GRCh38, 1-based): chr6:136,826,388, T>C. VCF-style: chr6-136826388-T-C. GRCh37 (hg19) VCF-style: chr6-137147526-T-C.
Identifiers: ClinVar variation 1080576 (VCV001080576.16), dbSNP rs1220745269, ClinGen allele CA452376645.

ClinVar aggregate classification (germline): Likely benign. Review status: criteria provided, multiple submitters, no conflicts (2 of 4 stars). 2 submissions from 2 submitters: Likely benign (2). Last evaluated 2025-08-01.

Conditions:
Peroxisome biogenesis disorder 9B. Also called: PEROXISOME BIOGENESIS DISORDER, PEX7-RELATED, ATYPICAL; Refsum disease, adult, 2; PEX7-Related Refsum Disease. Identifiers: Orphanet 773, MedGen C2749346, MONDO:0013945, OMIM 614879.

Allele frequency attached by ClinVar (database versions not stated): gnomAD exomes below 0.00001 and 0.00001; gnomAD 0.00001; TOPMed 0.00002.
gnomAD v4.1: 10 of 1,613,926 alleles (0.00062%); highest among the groups gnomAD compares: Non-Finnish European, 0.00085%; no homozygotes.

Submissions (2):

CeGaT Center for Human Genetics Tuebingen
Classification: Likely benign. Last evaluated: 2025-08-01. Review status: criteria provided, single submitter. Criteria: CeGaT Center For Human Genetics Tuebingen Variant Classification Criteria Version 2. Collection method: clinical testing. Allele origin: germline. Affected: yes. Observed: 1 variant allele.
Comment: PEX7: BP4, BP7

Labcorp Genetics (formerly Invitae), Labcorp
Classification: Likely benign for Peroxisome biogenesis disorder 9B. Last evaluated: 2023-11-21. Review status: criteria provided, single submitter. Criteria: Invitae Variant Classification Sherloc (09022015). Collection method: clinical testing. Allele origin: germline.